The following is an entry in ClinVar:

NM_001271696.3(ABCB7):c.1780A>C (p.Met594Leu)

Gene: ABCB7 (ATP binding cassette subfamily B member 7; minus strand). Cytogenetic location: Xq13.3.
Variant type: single nucleotide variant.
Coding change: c.1780A>C on transcript NM_001271696.3 (MANE Select); coding-DNA position 1780, A replaced by C.
Protein change: p.Met594Leu; replaces methionine 594 with leucine.
Molecular consequence: missense variant.
Genome position (GRCh38, 1-based): chrX:75,065,121, T>G on the plus strand (A>C on the coding strand, the complement: ABCB7 is on the minus strand). VCF-style: chrX-75065121-T-G. GRCh37 (hg19) VCF-style: chrX-74284956-T-G.
Other names: c.1660A>C, p.Met554Leu (NM_001271697.3); c.1702A>C, p.Met568Leu (NM_001271698.3); c.1663A>C, p.Met555Leu (NM_001271699.3); c.1783A>C, p.Met595Leu (NM_004299.6); short protein forms M594L, M554L, M555L, M568L, M595L.
Identifiers: ClinVar variation 3643509 (VCV003643509.2).
Genomic context (GRCh38, chrX:75,065,121, plus strand): 5'-TCTGATCACCTGAAAGCTTGAGTCCTCGTTCCCCTACTTGGGTGTCATATCCATGTGGCA[T>G]TCGAAGAATTGCATCATGAAGTCCAGCTAATTTTGCCACTGCATACACTTCCTCAGGTGA-3'
Protein context (NP_001258625.1, residues 584-604): LAGLHDAILR[Met594Leu]PHGYDTQVGE

ClinVar aggregate classification (germline): Uncertain significance (1 of 4 stars; one submission).

Submission:

Labcorp Genetics (formerly Invitae), Labcorp
Classification: Uncertain significance. Last evaluated: 2024-03-14. Review status: criteria provided, single submitter. Criteria: Invitae Variant Classification Sherloc (09022015). Collection method: clinical testing. Allele origin: germline.
Comment: This sequence change replaces methionine, which is neutral and non-polar, with leucine, which is neutral and non-polar, at codon 595 of the ABCB7 protein (p.Met595Leu). This variant is not present in population databases (gnomAD no frequency). This variant has not been reported in the literature in individuals affected with ABCB7-related conditions. An algorithm developed to predict the effect of missense changes on protein structure and function (PolyPhen-2) suggests that this variant is likely to be disruptive. In summary, the available evidence is currently insufficient to determine the role of this variant in disease. Therefore, it has been classified as a Variant of Uncertain Significance.